The following is an entry in ClinVar:

ClinVar aggregate classification (germline): Uncertain significance (1 of 4 stars; one submission).

Conditions:
Hereditary cancer-predisposing syndrome. Also called: Tumor predisposition; Hereditary Cancer Syndrome; Hereditary neoplastic syndrome; Neoplastic Syndromes, Hereditary. Identifiers: Orphanet 140162, MedGen C0027672, MeSH D009386, MONDO:0015356.
Cardiovascular phenotype. Identifiers: MedGen CN230736.

Submission:

Ambry Genetics
Classification: Uncertain significance for Cardiovascular phenotype; Hereditary cancer-predisposing syndrome. Last evaluated: 2026-07-06. Review status: criteria provided, single submitter. Criteria: Ambry Variant Classification Scheme 2023. Collection method: clinical testing. Allele origin: germline.
Comment: The p.Q1055H variant (also known as c.3165A>C), located in coding exon 24 of the NF1 gene, results from an A to C substitution at nucleotide position 3165. The glutamine at codon 1055 is replaced by histidine, an amino acid with highly similar properties. This amino acid position is highly conserved in available vertebrate species. In addition, this alteration is predicted to be tolerated by in silico analysis. Based on the available evidence, the clinical significance of this variant remains unclear.

NM_001042492.3(NF1):c.3165A>C (p.Gln1055His)

Gene: NF1 (neurofibromin 1; plus strand). Cytogenetic location: 17q11.2.
Variant type: single nucleotide variant.
Coding change: c.3165A>C on transcript NM_001042492.3 (MANE Select); coding-DNA position 3165, A replaced by C.
Protein change: p.Gln1055His; replaces glutamine 1055 with histidine.
Molecular consequence: missense variant.
Genome position (GRCh38, 1-based): chr17:31,230,893, A>C. VCF-style: chr17-31230893-A-C. GRCh37 (hg19) VCF-style: chr17-29557911-A-C.
Other names: c.3165A>C, p.Gln1055His (NM_000267.4); short protein forms Q1055H.
Identifiers: ClinVar variation 3404716 (VCV003404716.2).